The following is an entry in ClinVar:

NM_000545.8(HNF1A):c.246G>A (p.Thr82=)

Gene: HNF1A (HNF1 homeobox A; plus strand). Cytogenetic location: 12q24.31.
Variant type: single nucleotide variant.
Coding change: c.246G>A on transcript NM_000545.8 (MANE Select); coding-DNA position 246, G replaced by A.
Protein change: p.Thr82=; no amino-acid change (threonine 82 retained).
Molecular consequence: synonymous variant.
Genome position (GRCh38, 1-based): chr12:120,979,014, G>A. VCF-style: chr12-120979014-G-A. GRCh37 (hg19) VCF-style: chr12-121416817-G-A.
Other names: c.246G>A, p.Thr82= (NM_001306179.2).
Identifiers: ClinVar variation 702812 (VCV000702812.46), dbSNP rs752243228, ClinGen allele CA6831697.

ClinVar aggregate classification (germline): Benign/Likely benign. Review status: criteria provided, multiple submitters, no conflicts (2 of 4 stars). 6 submissions from 6 submitters: Benign (1); Likely benign (5). Last evaluated 2025-07-12.

Conditions:
Maturity-onset diabetes of the young (MODY). Also called: Maturity onset diabetes mellitus in young. Identifiers: Orphanet 552, MedGen C0342276, MONDO:0018911, HP:0004904.

Allele frequency attached by ClinVar (database versions not stated): gnomAD 0.00001; gnomAD exomes 0.00002 and 0.00005; TOPMed 0.00002; ExAC 0.00006.
gnomAD v4.1: 33 of 1,610,072 alleles (0.002%); highest among the groups gnomAD compares: South Asian, 0.027%; no homozygotes.

Submissions (6):

Ambry Genetics
Classification: Likely benign for Maturity-onset diabetes of the young. Last evaluated: 2025-07-12. Review status: criteria provided, single submitter. Criteria: Ambry Variant Classification Scheme 2023. Collection method: clinical testing. Allele origin: germline.

Labcorp Genetics (formerly Invitae), Labcorp
Classification: Likely benign. Last evaluated: 2024-08-07. Review status: criteria provided, single submitter. Criteria: Invitae Variant Classification Sherloc (09022015). Collection method: clinical testing. Allele origin: germline.

Blueprint Genetics
Classification: Likely benign. Last evaluated: 2024-07-19. Review status: criteria provided, single submitter. Criteria: ACMG Guidelines, 2015. Collection method: clinical testing. Allele origin: germline.

CeGaT Center for Human Genetics Tuebingen
Classification: Likely benign. Last evaluated: 2021-11-01. Review status: criteria provided, single submitter. Criteria: CeGaT Center For Human Genetics Tuebingen Variant Classification Criteria Version 2. Collection method: clinical testing. Allele origin: germline. Affected: yes. Observed: 1 variant allele.

Genetic Services Laboratory, University of Chicago
Classification: Likely benign. Last evaluated: 2020-02-03. Review status: criteria provided, single submitter. Criteria: ACMG Guidelines, 2015. Collection method: clinical testing. Allele origin: germline. Affected: no.

Clinical Genomics, Uppaluri K&H Personalized Medicine Clinic
Classification: Benign for Maturity-onset diabetes of the young. Review status: criteria provided, single submitter. Criteria: K & H Uppaluri Personalized Medicine Clinic Variant Classification & Assertion Criteria_Updated V.1. Collection method: research. Allele origin: unknown. Inheritance: Autosomal dominant inheritance.
Comment: Mutations in HNF1A gene can predispose to MODY3. It is associated with both micro and macrovascular complications of diabetes, especially cardiovascular complications. Associated with glucosuria. May respond well to sulfonylureas. However, more evidence is required to confer the association of this particular variant rs752243228 with MODY3.

Literature cited by the submitters: PubMed 31517624 (cited by Clinical Genomics, Uppaluri K&H Personalized Medicine Clinic); PubMed 32395877 (cited by Clinical Genomics, Uppaluri K&H Personalized Medicine Clinic); PubMed 35328643 (cited by Clinical Genomics, Uppaluri K&H Personalized Medicine Clinic); PubMed 35673428 (cited by Clinical Genomics, Uppaluri K&H Personalized Medicine Clinic).